The following is an entry in ClinVar:

NM_003383.5(VLDLR):c.2270C>T (p.Thr757Ile)

Gene: VLDLR (very low density lipoprotein receptor; plus strand). Cytogenetic location: 9p24.2.
Variant type: single nucleotide variant.
Coding change: c.2270C>T on transcript NM_003383.5 (MANE Select); coding-DNA position 2270, C replaced by T.
Protein change: p.Thr757Ile; replaces threonine 757 with isoleucine.
Molecular consequence: missense variant. On other transcripts: intron variant (2).
Genome position (GRCh38, 1-based): chr9:2,651,433, C>T. VCF-style: chr9-2651433-C-T. GRCh37 (hg19) VCF-style: chr9-2651433-C-T.
Other names: c.2147C>T, p.Thr716Ile (NM_001322225.2); c.2252-441C>T (NM_001018056.3); c.2129-441C>T (NM_001322226.2); c.2270C>T (NM_003383.4); short protein forms T716I, T757I.
Identifiers: ClinVar variation 913699 (VCV000913699.13), dbSNP rs17848383, ClinGen allele CA4965129.
Genomic context (GRCh38, chr9:2,651,433, plus strand): 5'-GGAACCCTGGCATTAACCAGGTTCTTGGTTTTTATAATTCAGGTACTGCAACTACTGTGA[C>T]TTACAGTGAGACAAAAGATACGAACACAACAGAAATTTCAGCAACTAGTGGACTAGTTCC-3'
Protein context (NP_003374.3, residues 747-767): RDCQSTATTV[Thr757Ile]YSETKDTNTT

ClinVar aggregate classification (germline): Conflicting classifications of pathogenicity. Review status: criteria provided, conflicting classifications (1 of 4 stars). 3 submissions from 3 submitters: Uncertain significance (1); Likely benign (1). 1 of the submissions does not count toward it. Last evaluated 2024-03-13.

Conditions:
Cerebellar ataxia, impaired intellectual development, and dysequilibrium syndrome 1. Also called: Cerebellar ataxia, intellectual disability, and dysequilibrium syndrome 1; Cerebellar ataxia, mental retardation, and dysequilibrium syndrome 1; VLDLR Cerebellar Hypoplasia; Cerebellar hypoplasia and mental retardation with or without quadrupedal locomotion 1; CEREBELLAR ATAXIA AND MENTAL RETARDATION WITH OR WITHOUT QUADRUPEDAL LOCOMOTION 1; CEREBELLAR ATAXIA, CONGENITAL, AND MENTAL RETARDATION, AUTOSOMAL RECESSIVE. Identifiers: Orphanet 1766, MedGen C4551552, MONDO:0024542, OMIM 224050.
VLDLR-related disorder. Also called: VLDLR-related condition.

Allele frequency attached by ClinVar (database versions not stated): gnomAD 0.00006 and 0.00007; gnomAD exomes 0.00028; TOPMed 0.00008; ExAC 0.00024; 1000 Genomes Project 30x 0.00016; 1000 Genomes Project 0.00020.
gnomAD v4.1: 79 of 1,613,952 alleles (0.0049%); highest among the groups gnomAD compares: East Asian, 0.17%; no homozygotes.

Submissions (3):

Labcorp Genetics (formerly Invitae), Labcorp
Classification: Likely benign. Last evaluated: 2024-03-13. Review status: criteria provided, single submitter. Criteria: Invitae Variant Classification Sherloc (09022015). Collection method: clinical testing. Allele origin: germline.

Illumina Laboratory Services, Illumina
Classification: Uncertain significance for Cerebellar ataxia, impaired intellectual development, and dysequilibrium syndrome 1. Last evaluated: 2018-01-12. Review status: criteria provided, single submitter. Criteria: ICSL Variant Classification Criteria 13 December 2019. Collection method: clinical testing. Allele origin: germline.

PreventionGenetics, part of Exact Sciences
Classification: Likely benign for VLDLR-related condition. Last evaluated: 2023-05-16. Review status: no assertion criteria provided. Collection method: clinical testing. Allele origin: germline. Not counted in ClinVar's aggregate classification.
Comment: This variant is classified as likely benign based on ACMG/AMP sequence variant interpretation guidelines (Richards et al. 2015 PMID: 25741868, with internal and published modifications).